The following is an entry in ClinVar:

NM_005228.5(EGFR):c.3380A>G (p.Asp1127Gly)

Gene: EGFR (epidermal growth factor receptor; plus strand). Cytogenetic location: 7p11.2.
Variant type: single nucleotide variant.
Coding change: c.3380A>G on transcript NM_005228.5 (MANE Select); coding-DNA position 3380, A replaced by G.
Protein change: p.Asp1127Gly; replaces aspartic acid 1127 with glycine.
Molecular consequence: missense variant.
Genome position (GRCh38, 1-based): chr7:55,205,364, A>G. VCF-style: chr7-55205364-A-G. GRCh37 (hg19) VCF-style: chr7-55273057-A-G.
Other names: c.3245A>G, p.Asp1082Gly (NM_001346899.2); c.3221A>G, p.Asp1074Gly (NM_001346900.2); c.2579A>G, p.Asp860Gly (NM_001346941.2); short protein forms D1127G, D860G, D1082G, D1074G.
Identifiers: ClinVar variation 3843813 (VCV003843813.1).

ClinVar aggregate classification (germline): Uncertain significance (1 of 4 stars; one submission).

Conditions:
Hereditary cancer-predisposing syndrome. Also called: Hereditary neoplastic syndrome; Neoplastic Syndromes, Hereditary; Tumor predisposition; Hereditary Cancer Syndrome. Identifiers: Orphanet 140162, MedGen C0027672, MeSH D009386, MONDO:0015356.

Submission:

Ambry Genetics
Classification: Uncertain significance for Hereditary cancer-predisposing syndrome. Last evaluated: 2025-01-25. Review status: criteria provided, single submitter. Criteria: Ambry Variant Classification Scheme 2023. Collection method: clinical testing. Allele origin: germline.
Comment: The p.D1127G variant (also known as c.3380A>G), located in coding exon 28 of the EGFR gene, results from an A to G substitution at nucleotide position 3380. The aspartic acid at codon 1127 is replaced by glycine, an amino acid with similar properties. This amino acid position is conserved. In addition, this alteration is predicted to be tolerated by in silico analysis. Based on the available evidence, the clinical significance of this variant remains unclear.